The following is an entry in ClinVar:

NM_000465.4(BARD1):c.1479A>C (p.Gln493His)

Gene: BARD1 (BRCA1 associated RING domain 1; minus strand). Cytogenetic location: 2q35.
Variant type: single nucleotide variant.
Coding change: c.1479A>C on transcript NM_000465.4 (MANE Select); coding-DNA position 1479, A replaced by C.
Protein change: p.Gln493His; replaces glutamine 493 with histidine.
Molecular consequence: missense variant. On other transcripts: non-coding transcript variant (3), intron variant (3).
Genome position (GRCh38, 1-based): chr2:214,767,571, T>G on the plus strand (A>C on the coding strand, the complement: BARD1 is on the minus strand). VCF-style: chr2-214767571-T-G. GRCh37 (hg19) VCF-style: chr2-215632295-T-G.
Other names: c.1422A>C, p.Gln474His (NM_001282543.2); c.159-15016A>C (NM_001282548.2); c.216-15016A>C (NM_001282545.2); c.364+24726A>C (NM_001282549.2); short protein forms Q493H, Q474H.
Identifiers: ClinVar variation 230313 (VCV000230313.25), dbSNP rs375029767, ClinGen allele CA2090250.

ClinVar aggregate classification (germline): Uncertain significance. Review status: criteria provided, multiple submitters, no conflicts (2 of 4 stars). 5 submissions from 5 submitters: Uncertain significance (5). Last evaluated 2025-12-17.

Conditions:
Hereditary cancer-predisposing syndrome. Also called: Neoplastic Syndromes, Hereditary; Hereditary neoplastic syndrome; Hereditary Cancer Syndrome; Tumor predisposition. Identifiers: Orphanet 140162, MedGen C0027672, MeSH D009386, MONDO:0015356.
Familial cancer of breast. Also called: hereditary breast carcinoma; Hereditary breast cancer; BREAST CANCER, FAMILIAL. Identifiers: Orphanet 227535, MedGen C0346153, MONDO:0016419, OMIM 114480. Disease mechanism: loss of function.

Allele frequency attached by ClinVar (database versions not stated): gnomAD 0.00006; TOPMed 0.00007.
gnomAD v4.1: 7 of 1,614,104 alleles (0.00043%); highest among the groups gnomAD compares: East Asian, 0.016%; no homozygotes.

Submissions (5):

Labcorp Genetics (formerly Invitae), Labcorp
Classification: Uncertain significance for Familial cancer of breast. Last evaluated: 2025-12-17. Review status: criteria provided, single submitter. Criteria: Invitae Variant Classification Sherloc (09022015). Collection method: clinical testing. Allele origin: germline.
Comment: This sequence change replaces glutamine, which is neutral and polar, with histidine, which is basic and polar, at codon 493 of the BARD1 protein (p.Gln493His). This variant is present in population databases (rs375029767, gnomAD 0.03%). This variant has not been reported in the literature in individuals affected with BARD1-related conditions. ClinVar contains an entry for this variant (Variation ID: 230313). An algorithm developed to predict the effect of missense changes on protein structure and function (PolyPhen-2) suggests that this variant is likely to be tolerated. In summary, the available evidence is currently insufficient to determine the role of this variant in disease. Therefore, it has been classified as a Variant of Uncertain Significance.

Ambry Genetics
Classification: Uncertain significance for Hereditary cancer-predisposing syndrome. Last evaluated: 2025-08-08. Review status: criteria provided, single submitter. Criteria: Ambry Variant Classification Scheme 2023. Collection method: clinical testing. Allele origin: germline.
Comment: The p.Q493H variant (also known as c.1479A>C), located in coding exon 6 of the BARD1 gene, results from an A to C substitution at nucleotide position 1479. The glutamine at codon 493 is replaced by histidine, an amino acid with highly similar properties. This variant was reported in 4/60,466 breast cancer cases and in 5/53,461 controls (Dorling et al. N Engl J Med. 2021 02;384:428-439). This amino acid position is well conserved in available vertebrate species. In addition, this alteration is predicted to be tolerated by in silico analysis. Since supporting evidence is limited at this time, the clinical significance of this alteration remains unclear.

Color Diagnostics, LLC DBA Color Health
Classification: Uncertain significance for Hereditary cancer-predisposing syndrome. Last evaluated: 2025-03-04. Review status: criteria provided, single submitter. Criteria: ACMG Guidelines, 2015. Collection method: clinical testing. Allele origin: germline.
Comment: This missense variant replaces glutamine with histidine at codon 493 of the BARD1 protein. Computational prediction suggests that this variant may not impact protein structure and function. To our knowledge, functional studies have not been reported for this variant. In an international breast cancer case-control meta-analysis, this variant was detected in 4/60466 cases and 5/53461 unaffected controls (PMID: 33471991). This variant has been identified in 6/282754 chromosomes in the general population by the Genome Aggregation Database (gnomAD). The available evidence is insufficient to determine the role of this variant in disease conclusively. Therefore, this variant is classified as a Variant of Uncertain Significance.

GeneDx
Classification: Uncertain significance. Last evaluated: 2024-07-19. Review status: criteria provided, single submitter. Criteria: GeneDx Variant Classification Process June 2021. Collection method: clinical testing. Allele origin: germline.
Comment: Observed in both cases and controls in a breast cancer study (PMID: 33471991); In silico analysis indicates that this missense variant does not alter protein structure/function; This variant is associated with the following publications: (PMID: 18480049, 33471991)

Department of Pathology and Laboratory Medicine, Sinai Health System
Classification: Uncertain significance for Familial cancer of breast. Last evaluated: 2023-04-04. Review status: criteria provided, single submitter. Criteria: ACMG Guidelines, 2015. Collection method: clinical testing. Allele origin: germline. Affected: yes.

Literature cited by the submitters: PubMed 33471991 (cited by 3 submitters).